The following is an entry in ClinVar:

NM_001458.5(FLNC):c.2297G>A (p.Arg766Gln)

Gene: FLNC (filamin C; plus strand). Cytogenetic location: 7q32.1.
Variant type: single nucleotide variant.
Coding change: c.2297G>A on transcript NM_001458.5 (MANE Select); coding-DNA position 2297, G replaced by A.
Protein change: p.Arg766Gln; replaces arginine 766 with glutamine.
Molecular consequence: missense variant.
Genome position (GRCh38, 1-based): chr7:128,842,606, G>A. VCF-style: chr7-128842606-G-A. GRCh37 (hg19) VCF-style: chr7-128482660-G-A.
Other names: p.Arg766Gln; c.2297G>A, p.Arg766Gln (NM_001127487.2); short protein forms R766Q.
Identifiers: ClinVar variation 472005 (VCV000472005.20), dbSNP rs369935650, ClinGen allele CA4474683.

ClinVar aggregate classification (germline): Conflicting classifications of pathogenicity. Review status: criteria provided, conflicting classifications (1 of 4 stars). 6 submissions from 6 submitters: Uncertain significance (5); Likely benign (1). Last evaluated 2025-12-14.

Conditions:
Distal myopathy with posterior leg and anterior hand involvement. Also called: WILLIAMS DISTAL MYOPATHY. Identifiers: Orphanet 63273, MedGen C3279722, MONDO:0013550, OMIM 614065.
Myofibrillar myopathy 5. Also called: Filaminopathy (type); FILAMINOPATHY, AUTOSOMAL DOMINANT. Identifiers: Orphanet 171445, MedGen C1836050, MONDO:0012289, OMIM 609524.
Hypertrophic cardiomyopathy 26. Also called: Cardiomyopathy, familial hypertrophic, 26. Identifiers: Orphanet 75249, MedGen C4310749, MONDO:0014883, OMIM 617047.
Cardiovascular phenotype. Identifiers: MedGen CN230736.

Allele frequency attached by ClinVar (database versions not stated): ESP Exome Variant Server 0.00009; gnomAD 0.00013 and 0.00014; ExAC 0.00015; TOPMed 0.00015; 1000 Genomes Project 30x 0.00016.
gnomAD v4.1: 101 of 1,549,960 alleles (0.0065%); highest among the groups gnomAD compares: Admixed American, 0.031%; no homozygotes.

Submissions (6):

Labcorp Genetics (formerly Invitae), Labcorp
Classification: Likely benign for Distal myopathy with posterior leg and anterior hand involvement; Myofibrillar myopathy 5; Hypertrophic cardiomyopathy 26. Last evaluated: 2025-12-14. Review status: criteria provided, single submitter. Criteria: Invitae Variant Classification Sherloc (09022015). Collection method: clinical testing. Allele origin: germline.

Ambry Genetics
Classification: Uncertain significance for Cardiovascular phenotype. Last evaluated: 2025-05-30. Review status: criteria provided, single submitter. Criteria: Ambry Variant Classification Scheme 2023. Collection method: clinical testing. Allele origin: germline.
Comment: The p.R766Q variant (also known as c.2297G>A), located in coding exon 15 of the FLNC gene, results from a G to A substitution at nucleotide position 2297. The arginine at codon 766 is replaced by glutamine, an amino acid with highly similar properties. This amino acid position is not well conserved in available vertebrate species. In addition, this alteration is predicted to be tolerated by in silico analysis. Based on the available evidence, the clinical significance of this variant remains unclear.

Mayo Clinic Laboratories, Mayo Clinic
Classification: Uncertain significance. Last evaluated: 2024-03-27. Review status: criteria provided, single submitter. Criteria: ACMG Guidelines, 2015. Collection method: clinical testing. Allele origin: germline. Observed: 1 variant allele.

Victorian Clinical Genetics Services, Murdoch Childrens Research Institute
Classification: Uncertain significance for Hypertrophic cardiomyopathy 26. Last evaluated: 2022-02-02. Review status: criteria provided, single submitter. Criteria: ACMG Guidelines, 2015. Collection method: clinical testing. Allele origin: germline. Inheritance: Autosomal dominant inheritance. Affected: yes.
Comment: Based on the classification scheme VCGS_Germline_v1.3.4, this variant is classified as VUS-3C. Following criteria are met: 0103 - Loss of function and gain of function are known mechanisms of disease in this gene. Loss of function is the established mechanism of disease for variants in dilated cardiomyopathy, hypertrophic cardiomyopathy, restrictive cardiomyopathy (MIM#617047) and myofibrillar myopathy (MIM#609524). In distal myopathy (MIM#614065), NMD-predicted variants cause a loss of function, however missense variants have been shown to result in a toxic gain of function (PMID: 32112656). (I) 0107 - This gene is associated with autosomal dominant disease. (I) 0200 - Variant is predicted to result in a missense amino acid change from arginine to glutamine. (I) 0251 - This variant is heterozygous. (I) 0302 - Variant is present in gnomAD (v3) <0.001 for a dominant condition (21 heterozygotes, 0 homozygotes). (SP) 0309 - An alternative amino acid change at the same position has been observed in gnomAD (v3) (28 heterozygotes, 0 homozygotes). (I) 0503 - Missense variant consistently predicted to be tolerated by multiple in silico tools or not conserved in placental mammals with a minor amino acid change. (SB) 0600 - Variant is located in the annotated Filamin repeat 6 domain (Uniprot). (I) 0710 - Another missense variant comparable to the one identified in this case has inconclusive previous evidence for pathogenicity. A different variant in the same codon resulting in a change to a tryptophan has been reported as a VUS in ClinVar. (I) 0809 - Previous evidence of pathogenicity for this variant is inconclusive. This variant has been reported as a VUS in ClinVar. (I) 0905 - No published segregation evidence has been identified for this variant. (I) 1007 - No published functional evidence has been identified for this variant. (I) 1208 - Inheritance information for this variant is not currently available in this individual. (I) Legend: (SP) - Supporting pathogenic, (I) - Information, (SB) - Supporting benign

Fulgent Genetics
Classification: Uncertain significance for Myofibrillar myopathy 5; Distal myopathy with posterior leg and anterior hand involvement; Hypertrophic cardiomyopathy 26. Last evaluated: 2021-08-12. Review status: criteria provided, single submitter. Criteria: ACMG Guidelines, 2015. Collection method: clinical testing. Allele origin: unknown.

Revvity Omics, Revvity
Classification: Uncertain significance. Last evaluated: 2019-09-06. Review status: criteria provided, single submitter. Criteria: ACMG Guidelines, 2015. Collection method: clinical testing. Allele origin: germline.

Literature cited by the submitters: PubMed 32112656 (cited by Victorian Clinical Genetics Services, Murdoch Childrens Research Institute).